The following is an entry in ClinVar:

ClinVar aggregate classification (germline): Pathogenic. Review status: criteria provided, multiple submitters, no conflicts (2 of 4 stars). 2 submissions from 2 submitters: Pathogenic (2). Last evaluated 2022-12-02.

Conditions:
Familial hemiplegic migraine. Identifiers: MedGen C0338484, MONDO:0000700.

Allele frequency attached by ClinVar (database versions not stated): gnomAD exomes below 0.00001.

Submissions (2):

Labcorp Genetics (formerly Invitae), Labcorp
Classification: Pathogenic for Familial hemiplegic migraine. Last evaluated: 2022-12-02. Review status: criteria provided, single submitter. Criteria: Invitae Variant Classification Sherloc (09022015). Collection method: clinical testing. Allele origin: germline.
Comment: This variant has not been reported in the literature in individuals affected with ATP1A2-related conditions. For these reasons, this variant has been classified as Pathogenic. ClinVar contains an entry for this variant (Variation ID: 1013256). This variant is present in population databases (no rsID available, gnomAD 0.0009%). This sequence change creates a premature translational stop signal (p.Arg604*) in the ATP1A2 gene. It is expected to result in an absent or disrupted protein product. Loss-of-function variants in ATP1A2 are known to be pathogenic (PMID: 30690204).

CeGaT Center for Human Genetics Tuebingen
Classification: Pathogenic. Last evaluated: 2021-03-01. Review status: criteria provided, single submitter. Criteria: CeGaT Center For Human Genetics Tuebingen Variant Classification Criteria Version 2. Collection method: clinical testing. Allele origin: germline. Affected: yes. Observed: 2 variant alleles.

Literature cited by the submitters: PubMed 30690204 (cited by Labcorp Genetics (formerly Invitae), Labcorp).

NM_000702.4(ATP1A2):c.1810C>T (p.Arg604Ter)

Gene: ATP1A2 (ATPase Na+/K+ transporting subunit alpha 2; plus strand). Cytogenetic location: 1q23.2.
Variant type: single nucleotide variant.
Coding change: c.1810C>T on transcript NM_000702.4 (MANE Select); coding-DNA position 1810, C replaced by T.
Protein change: p.Arg604Ter; replaces arginine 604 with a stop codon.
Molecular consequence: nonsense.
Genome position (GRCh38, 1-based): chr1:160,130,580, C>T. VCF-style: chr1-160130580-C-T. GRCh37 (hg19) VCF-style: chr1-160100370-C-T.
Other names: short protein forms R604*.
Identifiers: ClinVar variation 1013256 (VCV001013256.43), dbSNP rs1469902667, ClinGen allele CA343244524.